The following is an entry in ClinVar:

NM_014915.3(ANKRD26):c.496C>T (p.Leu166Phe)

Gene: ANKRD26 (ankyrin repeat domain containing 26; minus strand). Cytogenetic location: 10p12.1.
Variant type: single nucleotide variant.
Coding change: c.496C>T on transcript NM_014915.3 (MANE Select); coding-DNA position 496, C replaced by T.
Protein change: p.Leu166Phe; replaces leucine 166 with phenylalanine.
Molecular consequence: missense variant.
Genome position (GRCh38, 1-based): chr10:27,093,384, G>A on the plus strand (C>T on the coding strand, the complement: ANKRD26 is on the minus strand). VCF-style: chr10-27093384-G-A. GRCh37 (hg19) VCF-style: chr10-27382313-G-A.
Other names: c.496C>T, p.Leu166Phe (NM_001256053.2); short protein forms L166F.
Identifiers: ClinVar variation 3914234 (VCV003914234.1).

ClinVar aggregate classification (germline): Uncertain significance (1 of 4 stars; one submission).

Conditions:
Inborn genetic diseases. Identifiers: MedGen C0950123, MeSH D030342.

Submission:

Ambry Genetics
Classification: Uncertain significance for Inborn genetic diseases. Last evaluated: 2025-05-05. Review status: criteria provided, single submitter. Criteria: Ambry Variant Classification Scheme 2023. Collection method: clinical testing. Allele origin: germline.
Comment: The p.L166F variant (also known as c.496C>T), located in coding exon 3 of the ANKRD26 gene, results from a C to T substitution at nucleotide position 496. The leucine at codon 166 is replaced by phenylalanine, an amino acid with highly similar properties. This amino acid position is conserved. In addition, the in silico prediction for this alteration is inconclusive. Based on the available evidence, the clinical significance of this variant remains unclear.